The following is an entry in ClinVar:

NM_025144.4(ALPK1):c.1579G>A (p.Val527Ile)

Gene: ALPK1 (alpha kinase 1; plus strand). Cytogenetic location: 4q25.
Variant type: single nucleotide variant.
Coding change: c.1579G>A on transcript NM_025144.4 (MANE Select); coding-DNA position 1579, G replaced by A.
Protein change: p.Val527Ile; replaces valine 527 with isoleucine.
Molecular consequence: missense variant.
Genome position (GRCh38, 1-based): chr4:112,431,126, G>A. VCF-style: chr4-112431126-G-A. GRCh37 (hg19) VCF-style: chr4-113352282-G-A.
Other names: c.1579G>A, p.Val527Ile (NM_001102406.2); c.1345G>A, p.Val449Ile (NM_001253884.2); short protein forms V449I, V527I.
Identifiers: ClinVar variation 2617588 (VCV002617588.3), dbSNP rs772337386, ClinGen allele CA3046751.

ClinVar aggregate classification (germline): Uncertain significance. Review status: criteria provided, multiple submitters, no conflicts (2 of 4 stars). 2 submissions from 2 submitters: Uncertain significance (2). Last evaluated 2025-08-17.

Conditions:
Inborn genetic diseases. Identifiers: MedGen C0950123, MeSH D030342.

Allele frequency attached by ClinVar (database versions not stated): gnomAD exomes below 0.00001; gnomAD 0.00001; ExAC 0.00004.
gnomAD v4.1: 5 of 1,614,064 alleles (0.00031%); highest among the groups gnomAD compares: East Asian, 0.0089%; no homozygotes.

Submissions (2):

Labcorp Genetics (formerly Invitae), Labcorp
Classification: Uncertain significance. Last evaluated: 2025-08-17. Review status: criteria provided, single submitter. Criteria: Invitae Variant Classification Sherloc (09022015). Collection method: clinical testing. Allele origin: germline.
Comment: This sequence change replaces valine, which is neutral and non-polar, with isoleucine, which is neutral and non-polar, at codon 527 of the ALPK1 protein (p.Val527Ile). This variant is present in population databases (rs772337386, gnomAD 0.03%). This variant has not been reported in the literature in individuals affected with ALPK1-related conditions. ClinVar contains an entry for this variant (Variation ID: 2617588). Invitae Evidence Modeling of protein sequence and biophysical properties (such as structural, functional, and spatial information, amino acid conservation, physicochemical variation, residue mobility, and thermodynamic stability) indicates that this missense variant is not expected to disrupt ALPK1 protein function with a negative predictive value of 80%. In summary, the available evidence is currently insufficient to determine the role of this variant in disease. Therefore, it has been classified as a Variant of Uncertain Significance.

Ambry Genetics
Classification: Uncertain significance for Inborn genetic diseases. Last evaluated: 2023-08-08. Review status: criteria provided, single submitter. Criteria: Ambry Variant Classification Scheme 2023. Collection method: clinical testing. Allele origin: germline.